The following is an entry in ClinVar:

ClinVar aggregate classification (germline): Pathogenic (1 of 4 stars; one submission).

Submission:

Labcorp Genetics (formerly Invitae), Labcorp
Classification: Pathogenic. Last evaluated: 2022-05-05. Review status: criteria provided, single submitter. Criteria: Invitae Variant Classification Sherloc (09022015). Collection method: clinical testing. Allele origin: germline.
Comment: This sequence change creates a premature translational stop signal (p.Glu30Alafs*27) in the IGF2 gene. It is expected to result in an absent or disrupted protein product. Loss-of-function variants in IGF2 are known to be pathogenic (PMID: 26154720, 28489339). This variant is not present in population databases (gnomAD no frequency). This variant has not been reported in the literature in individuals affected with IGF2-related conditions. For these reasons, this variant has been classified as Pathogenic.

Literature cited by the submitters: PubMed 26154720; PubMed 28489339.

NM_000612.6(IGF2):c.89_98del (p.Glu30fs)

Genes: IGF2 (insulin like growth factor 2; minus strand), INS-IGF2 (INS-IGF2 readthrough; minus strand). Cytogenetic location: 11p15.5.
Variant type: Deletion.
Coding change: c.89_98del on transcript NM_000612.6 (MANE Select); coding-DNA positions 89 to 98, 10 bases deleted (AGACCCTGTG; older notation c.89_98delAGACCCTGTG).
Protein change: p.Glu30fs; shifts the reading frame from glutamic acid 30.
Molecular consequence: frameshift variant. On other transcripts: non-coding transcript variant (1).
Genome position (GRCh38, 1-based): chr11:2,135,426-2,135,435, CACAGGGTCT deleted on the plus strand (AGACCCTGTG on the coding strand, the reverse complement: IGF2 is on the minus strand); deleting any 10 consecutive bases within chr11:2,135,426-2,135,438 gives the same sequence; the c. name uses the placement nearest the transcript's 3' end. VCF-style (leftmost placement, unchanged base first): chr11-2135425-GCACAGGGTCT-G. GRCh37 (hg19) VCF-style: chr11-2156655-GCACAGGGTCT-G.
Other names: c.89_98del, p.Glu30fs (NM_001007139.6, NM_001291861.3, NM_001291862.3); c.257_266del, p.Glu86fs (NM_001127598.3); short protein forms E30fs, E86fs.
Identifiers: ClinVar variation 2134425 (VCV002134425.4), dbSNP rs2495590166, ClinGen allele CA2580082586.